The following is an entry in ClinVar:

NM_005216.5(DDOST):c.955G>A (p.Val319Met)

Gene: DDOST (dolichyl-diphosphooligosaccharide--protein glycosyltransferase non-catalytic subunit; minus strand). Cytogenetic location: 1p36.12.
Variant type: single nucleotide variant.
Coding change: c.955G>A on transcript NM_005216.5 (MANE Select); coding-DNA position 955, G replaced by A.
Protein change: p.Val319Met; replaces valine 319 with methionine.
Molecular consequence: missense variant.
Genome position (GRCh38, 1-based): chr1:20,652,959, C>T on the plus strand (G>A on the coding strand, the complement: DDOST is on the minus strand). VCF-style: chr1-20652959-C-T. GRCh37 (hg19) VCF-style: chr1-20979452-C-T.
Other names: short protein forms V319M.
Identifiers: ClinVar variation 948627 (VCV000948627.9), dbSNP rs921210147, ClinGen allele CA18968256.
Genomic context (GRCh38, chr1:20,652,959, plus strand): 5'-CCAGCTGAATGTCATCGCCATCAAAGGGGACCCATTTGCCATTTGAGAGCTGCTGGATCA[C>T]GATGCTATACTCCTGAGATAAAAGGCCAGGTTAGCCAGGGCTGGCCATGACTGGAGGCCT-3'
Protein context (NP_005207.3, residues 309-329): TVTDLVEYSI[Val319Met]IQQLSNGKWV

ClinVar aggregate classification (germline): Uncertain significance. Review status: criteria provided, multiple submitters, no conflicts (2 of 4 stars). 2 submissions from 2 submitters: Uncertain significance (2). Last evaluated 2025-06-18.

Conditions:
Congenital disorder of glycosylation type Ir (CDG1R). Also called: DDOST-congenital disorder of glycosylation. Identifiers: Orphanet 300536, MedGen C3281084, MONDO:0013789, OMIM 614507.

Allele frequency attached by ClinVar (database versions not stated): gnomAD exomes below 0.00001; gnomAD 0.00003 and 0.00004; TOPMed 0.00005.
gnomAD v4.1: 14 of 1,614,078 alleles (0.00087%); highest among the groups gnomAD compares: African/African-American, 0.008%; no homozygotes.

Submissions (2):

Ambry Genetics
Classification: Uncertain significance. Last evaluated: 2025-06-18. Review status: criteria provided, single submitter. Criteria: Ambry Variant Classification Scheme 2023. Collection method: clinical testing. Allele origin: germline.

Labcorp Genetics (formerly Invitae), Labcorp
Classification: Uncertain significance for Congenital disorder of glycosylation type Ir. Last evaluated: 2021-11-10. Review status: criteria provided, single submitter. Criteria: Invitae Variant Classification Sherloc (09022015). Collection method: clinical testing. Allele origin: germline.
Comment: This sequence change replaces valine, which is neutral and non-polar, with methionine, which is neutral and non-polar, at codon 336 of the DDOST protein (p.Val336Met). This variant is present in population databases (no rsID available, gnomAD 0.003%). This variant has not been reported in the literature in individuals affected with DDOST-related conditions. ClinVar contains an entry for this variant (Variation ID: 948627). Algorithms developed to predict the effect of missense changes on protein structure and function are either unavailable or do not agree on the potential impact of this missense change (SIFT: "Tolerated"; PolyPhen-2: "Possibly Damaging"; Align-GVGD: "Class C0"). In summary, the available evidence is currently insufficient to determine the role of this variant in disease. Therefore, it has been classified as a Variant of Uncertain Significance.